The following is an entry in ClinVar:

ClinVar aggregate classification (germline): Uncertain significance (1 of 4 stars; one submission).

Allele frequency attached by ClinVar (database versions not stated): gnomAD exomes 0.00003; ExAC 0.00006; gnomAD 0.00032; TOPMed 0.00037; ESP Exome Variant Server 0.00046; 1000 Genomes Project 0.00060; 1000 Genomes Project 30x 0.00094.
gnomAD v4.1: 93 of 1,614,032 alleles (0.0058%); highest among the groups gnomAD compares: African/African-American, 0.12%; no homozygotes.

Submission:

Labcorp Genetics (formerly Invitae), Labcorp
Classification: Uncertain significance. Last evaluated: 2025-10-23. Review status: criteria provided, single submitter. Criteria: Invitae Variant Classification Sherloc (09022015). Collection method: clinical testing. Allele origin: germline.
Comment: This sequence change replaces leucine, which is neutral and non-polar, with proline, which is neutral and non-polar, at codon 247 of the ANGPT1 protein (p.Leu247Pro). This variant is present in population databases (rs73701083, gnomAD 0.07%), and has an allele count higher than expected for a pathogenic variant. This variant has not been reported in the literature in individuals affected with ANGPT1-related conditions. ClinVar contains an entry for this variant (Variation ID: 2190621). An algorithm developed to predict the effect of missense changes on protein structure and function (PolyPhen-2) suggests that this variant is likely to be tolerated. In summary, the available evidence is currently insufficient to determine the role of this variant in disease. Therefore, it has been classified as a Variant of Uncertain Significance.

NM_001146.5(ANGPT1):c.740T>C (p.Leu247Pro)

Gene: ANGPT1 (angiopoietin 1; minus strand). Cytogenetic location: 8q23.1.
Variant type: single nucleotide variant.
Coding change: c.740T>C on transcript NM_001146.5 (MANE Select); coding-DNA position 740, T replaced by C.
Protein change: p.Leu247Pro; replaces leucine 247 with proline.
Molecular consequence: missense variant.
Genome position (GRCh38, 1-based): chr8:107,321,964, A>G on the plus strand (T>C on the coding strand, the complement: ANGPT1 is on the minus strand). VCF-style: chr8-107321964-A-G. GRCh37 (hg19) VCF-style: chr8-108334192-A-G.
Other names: c.740T>C, p.Leu247Pro (NM_001199859.3); c.140T>C, p.Leu47Pro (NM_001314051.2); short protein forms L47P, L247P.
Identifiers: ClinVar variation 2190621 (VCV002190621.4), dbSNP rs73701083, ClinGen allele CA4841278.